The following is an entry in ClinVar:

NM_178857.6(RP1L1):c.2677C>T (p.Arg893Cys)

Gene: RP1L1 (RP1 like 1). Cytogenetic location: 8p23.1.
Variant type: single nucleotide variant.
Coding change: c.2677C>T on transcript NM_178857.6 (MANE Select); coding-DNA position 2677, C replaced by T.
Protein change: p.Arg893Cys; replaces arginine 893 with cysteine.
Molecular consequence: missense variant.
Genome position (GRCh38, 1-based): chr8:10,611,421, G>A on the plus strand (C>T on the coding strand, the complement: RP1L1 is on the minus strand). VCF-style: chr8-10611421-G-A. GRCh37 (hg19) VCF-style: chr8-10468931-G-A.
Other names: c.2677C>T (NM_178857.5); short protein forms R893C.
Identifiers: ClinVar variation 3249531 (VCV003249531.3).
Genomic context (GRCh38, chr8:10,611,421, plus strand): 5'-CACTGCTTCTCCTTGATGCCCCTGAATTGGGGCCTGGGGACGGCGTGGGGCCTGGCTGGC[G>A]TGTCCCCTCCTGCGGGCTCCCACCTGGCCCCCGGGCAGTGCTTTGGTGGCTGCTGCCGGT-3'
Protein context (NP_849188.4, residues 883-903): GPGGSPQEGT[Arg893Cys]QPGPTPSPGP

ClinVar aggregate classification (germline): Conflicting classifications of pathogenicity. Review status: criteria provided, conflicting classifications (1 of 4 stars). 3 submissions from 3 submitters: Uncertain significance (1); Likely benign (1). 1 of the submissions does not count toward it. Last evaluated 2026-01-05.

Conditions:
RP1L1-related disorder. Also called: RP1L1-related condition.
Retinal dystrophy. Also called: Inherited retinal dystrophy. Identifiers: Orphanet 71862, MedGen C0854723, MeSH D058499, MONDO:0019118, HP:0000556.

gnomAD v4.1: 67 of 1,586,818 alleles (0.0042%); highest among the groups gnomAD compares: Middle Eastern, 0.017%; no homozygotes.

Submissions (3):

PreventionGenetics, part of Exact Sciences
Classification: Uncertain significance for RP1L1-related condition. Last evaluated: 2026-01-05. Review status: criteria provided, single submitter. Criteria: ACMG Guidelines, 2015. Collection method: clinical testing. Allele origin: germline.
Comment: The RP1L1 c.2677C>T variant is predicted to result in the amino acid substitution p.Arg893Cys. To our knowledge, this variant has not been reported in the literature. This variant is present in 0.010% of alleles in individuals of Latino descent in gnomAD. At this time, the clinical significance of this variant is uncertain due to the absence of conclusive functional and genetic evidence.

Blueprint Genetics
Classification: Likely benign. Last evaluated: 2022-08-24. Review status: criteria provided, single submitter. Criteria: ACMG Guidelines, 2015. Collection method: clinical testing. Allele origin: germline.

Institute of Human Genetics, Univ. Regensburg, Univ. Regensburg
Classification: Uncertain significance for Retinal dystrophy. Last evaluated: 2023-01-01. Review status: no assertion criteria provided. Criteria: ACMG Guidelines, 2015. Collection method: clinical testing. Allele origin: germline. Affected: yes. Not counted in ClinVar's aggregate classification.